The following is an entry in ClinVar:

ClinVar aggregate classification (germline): Uncertain significance. Review status: criteria provided, multiple submitters, no conflicts (2 of 4 stars). 2 submissions from 2 submitters: Uncertain significance (2). Last evaluated 2024-04-26.

Conditions:
Dent disease type 2. Identifiers: Orphanet 1652, Orphanet 93623, MedGen C1845167, MONDO:0010359, OMIM 300555.
Lowe syndrome (OCRL). Also called: Oculocerebrorenal Syndrome; LOWE OCULOCEREBRORENAL SYNDROME; PHOSPHATIDYLINOSITOL 4,5-BISPHOSPHATE 5-PHOSPHATASE DEFICIENCY. Identifiers: Orphanet 534, MedGen C0028860, MONDO:0010645, OMIM 309000.

Allele frequency attached by ClinVar (database versions not stated): ExAC 0.00001; gnomAD 0.00001; gnomAD exomes 0.00001; TOPMed 0.00002.
gnomAD v4.1: 16 of 1,207,628 alleles (0.0013%); highest among the groups gnomAD compares: Non-Finnish European, 0.0016%; no homozygotes.

Submissions (2):

Labcorp Genetics (formerly Invitae), Labcorp
Classification: Uncertain significance for Lowe syndrome. Last evaluated: 2024-04-26. Review status: criteria provided, single submitter. Criteria: Invitae Variant Classification Sherloc (09022015). Collection method: clinical testing. Allele origin: germline.
Comment: This sequence change replaces threonine, which is neutral and polar, with isoleucine, which is neutral and non-polar, at codon 31 of the OCRL protein (p.Thr31Ile). This variant is present in population databases (rs762676076, gnomAD 0.002%). This variant has not been reported in the literature in individuals affected with OCRL-related conditions. ClinVar contains an entry for this variant (Variation ID: 1428454). Advanced modeling of protein sequence and biophysical properties (such as structural, functional, and spatial information, amino acid conservation, physicochemical variation, residue mobility, and thermodynamic stability) performed at Invitae indicates that this missense variant is not expected to disrupt OCRL protein function with a negative predictive value of 95%. In summary, the available evidence is currently insufficient to determine the role of this variant in disease. Therefore, it has been classified as a Variant of Uncertain Significance.

Fulgent Genetics
Classification: Uncertain significance for Dent disease type 2; Lowe syndrome. Last evaluated: 2021-10-02. Review status: criteria provided, single submitter. Criteria: ACMG Guidelines, 2015. Collection method: clinical testing. Allele origin: unknown.

NM_000276.4(OCRL):c.92C>T (p.Thr31Ile)

Gene: OCRL (OCRL inositol polyphosphate-5-phosphatase; plus strand). Cytogenetic location: Xq26.1.
Variant type: single nucleotide variant.
Coding change: c.92C>T on transcript NM_000276.4 (MANE Select); coding-DNA position 92, C replaced by T.
Protein change: p.Thr31Ile; replaces threonine 31 with isoleucine.
Molecular consequence: missense variant.
Genome position (GRCh38, 1-based): chrX:129,540,796, C>T. VCF-style: chrX-129540796-C-T. GRCh37 (hg19) VCF-style: chrX-128674773-C-T.
Other names: c.95C>T, p.Thr32Ile (NM_001318784.2); c.92C>T, p.Thr31Ile (NM_001587.4); short protein forms T32I, T31I.
Identifiers: ClinVar variation 1428454 (VCV001428454.6), dbSNP rs762676076, ClinGen allele CA10511926.
Genomic context (GRCh38, chrX:129,540,796, plus strand): 5'-GCCCGCATACTGTCGAGGGTATGGAGATGAAGGGTCCTCTCCGGGAGCCCTGCGCCCTGA[C>T]CCTAGCCCAGAGGAACGGGCAATATGAGTAAGTAACCACCTGATTCCCACAGAGGAGGGG-3'
Protein context (NP_000267.2, residues 21-41): KGPLREPCAL[Thr31Ile]LAQRNGQYEL